The following is an entry in ClinVar:

ClinVar aggregate classification (germline): Uncertain significance (1 of 4 stars; one submission).

Allele frequency attached by ClinVar (database versions not stated): gnomAD 0.00001; 1000 Genomes Project 30x 0.00016; 1000 Genomes Project 0.00020.

Submission:

GeneDx
Classification: Uncertain significance. Last evaluated: 2022-06-03. Review status: criteria provided, single submitter. Criteria: GeneDx Variant Classification Process June 2021. Collection method: clinical testing. Allele origin: germline. Affected: yes.
Comment: Canonical splice site variant in a gene or region of a gene for which loss of function is not a well-established mechanism of disease; Has not been previously published as pathogenic or benign to our knowledge

NM_014233.4(UBTF):c.-67-1G>C

Genes: ATXN7L3-AS1 (ATXN7L3 antisense RNA 1; plus strand), UBTF (upstream binding transcription factor; minus strand). Cytogenetic location: 17q21.31.
Variant type: single nucleotide variant.
Coding change: c.-67-1G>C on transcript NM_014233.4 (MANE Select); the canonical splice acceptor site of the intron before 67 bases upstream of the start codon, G replaced by C.
Molecular consequence: splice acceptor variant.
Genome position (GRCh38, 1-based): chr17:44,218,297, C>G on the plus strand (G>C on the coding strand, the complement: UBTF is on the minus strand). VCF-style: chr17-44218297-C-G. GRCh37 (hg19) VCF-style: chr17-42295665-C-G.
Other names: c.-67-1G>C (NM_001076683.2, NM_001076684.3).
Identifiers: ClinVar variation 1802090 (VCV001802090.1), dbSNP rs571833610, ClinGen allele CA290911661.
Genomic context (GRCh38, chr17:44,218,297, plus strand): 5'-CTGTCCAGCCACCTCCTCGGTCGTGCTGGCCGGGCAACCCGGGGTCAAAGCCACCTCACC[C>G]TTTGGAAGACATACCAGTTCCCACTCAGGAAGGCTGAGAGGTGAACGACTAACGACTTTC-3'